The following is an entry in ClinVar:

NM_002878.4(RAD51D):c.145-20A>G

Genes: RAD51D (RAD51 paralog D; minus strand), RAD51L3-RFFL (RAD51L3-RFFL readthrough; minus strand). Cytogenetic location: 17q12.
Variant type: single nucleotide variant.
Coding change: c.145-20A>G on transcript NM_002878.4 (MANE Select); 20 bases into the intron before coding-DNA position 145, A replaced by G.
Molecular consequence: intron variant.
Genome position (GRCh38, 1-based): chr17:35,118,639, T>C on the plus strand (A>G on the coding strand, the complement: RAD51D is on the minus strand). VCF-style: chr17-35118639-T-C. GRCh37 (hg19) VCF-style: chr17-33445658-T-C.
Other names: c.144+472A>G (NM_133629.3, NM_001142571.2).
Identifiers: ClinVar variation 492411 (VCV000492411.13), dbSNP rs759639583, ClinGen allele CA8499646.
Genomic context (GRCh38, chr17:35,118,639, plus strand): 5'-GAGAACTGAGCCAGCAGCACCCGCCTCAGGGCAACCAGGGCCTGCCAAAGGGCCCCAGAC[T>C]GCTCAGCAACAAATTGCCCGTAGAAGCTGGCATCCCAGGGTGTCATTCACCCTACTTCTC-3'

ClinVar aggregate classification (germline): Likely benign. Review status: criteria provided, multiple submitters, no conflicts (2 of 4 stars). 5 submissions from 5 submitters: Likely benign (5). Last evaluated 2026-02-03.

Conditions:
Hereditary cancer-predisposing syndrome. Also called: Hereditary neoplastic syndrome; Tumor predisposition; Hereditary Cancer Syndrome; Neoplastic Syndromes, Hereditary. Identifiers: Orphanet 140162, MedGen C0027672, MeSH D009386, MONDO:0015356.
Breast-ovarian cancer, familial, susceptibility to, 4. Identifiers: Orphanet 145, MedGen C3280345, MONDO:0013669, OMIM 614291.

Allele frequency attached by ClinVar (database versions not stated): gnomAD exomes below 0.00001; ExAC 0.00001.
gnomAD v4.1: 4 of 1,596,022 alleles (0.00025%); highest among the groups gnomAD compares: East Asian, 0.0045%; no homozygotes.

Submissions (5):

Labcorp Genetics (formerly Invitae), Labcorp
Classification: Likely benign for Breast-ovarian cancer, familial, susceptibility to, 4. Last evaluated: 2026-02-03. Review status: criteria provided, single submitter. Criteria: Invitae Variant Classification Sherloc (09022015). Collection method: clinical testing. Allele origin: germline.

Center for Genomic Medicine, Rigshospitalet, Copenhagen University Hospital
Classification: Likely benign. Last evaluated: 2025-12-29. Review status: criteria provided, single submitter. Criteria: ACMG Guidelines, 2015. Collection method: clinical testing. Allele origin: germline.

Myriad Genetics, Inc.
Classification: Likely benign for Breast-ovarian cancer, familial, susceptibility to, 4. Last evaluated: 2025-02-20. Review status: criteria provided, single submitter. Criteria: Myriad Autosomal Dominant, Autosomal Recessive and X-Linked Classification Criteria (2023). Collection method: clinical testing. Allele origin: unknown.
Comment: This variant is considered likely benign. This variant is intronic and is not expected to impact mRNA splicing.

GeneDx
Classification: Likely benign. Last evaluated: 2017-10-23. Review status: criteria provided, single submitter. Criteria: GeneDx Variant Classification (06012015). Collection method: clinical testing. Allele origin: germline. Affected: yes.
Comment: This variant is considered likely benign or benign based on one or more of the following criteria: it is a conservative change, it occurs at a poorly conserved position in the protein, it is predicted to be benign by multiple in silico algorithms, and/or has population frequency not consistent with disease.

Color Diagnostics, LLC DBA Color Health
Classification: Likely benign for Hereditary cancer-predisposing syndrome. Last evaluated: 2016-01-04. Review status: criteria provided, single submitter. Criteria: ACMG Guidelines, 2015. Collection method: clinical testing. Allele origin: germline.